The following is an entry in ClinVar:

NM_001377303.1(L3MBTL1):c.2018G>A (p.Arg673Lys)

Gene: L3MBTL1 (L3MBTL histone methyl-lysine binding protein 1; plus strand). Cytogenetic location: 20q13.12.
Variant type: single nucleotide variant.
Coding change: c.2018G>A on transcript NM_001377303.1 (MANE Select); coding-DNA position 2018, G replaced by A.
Protein change: p.Arg673Lys; replaces arginine 673 with lysine.
Molecular consequence: missense variant. On other transcripts: non-coding transcript variant (8).
Genome position (GRCh38, 1-based): chr20:43,536,189, G>A. VCF-style: chr20-43536189-G-A. GRCh37 (hg19) VCF-style: chr20-42164829-G-A.
Other names: c.2018G>A, p.Arg673Lys (NM_001377306.1); c.1763G>A, p.Arg588Lys (NM_001377307.1, NM_001377309.1); c.1748G>A, p.Arg583Lys (NM_001377308.1, NM_001377310.1, NM_015478.7); c.1628G>A, p.Arg543Lys (NM_001377311.1); c.1952G>A, p.Arg651Lys (NM_032107.5); short protein forms R543K, R583K, R588K, R651K, R673K.
Identifiers: ClinVar variation 3047449 (VCV003047449.3), dbSNP rs35845394, ClinGen allele CA9865991.

ClinVar aggregate classification (germline): Uncertain significance. Review status: criteria provided, single submitter (1 of 4 stars). 2 submissions from 2 submitters: Uncertain significance (1). 1 of the submissions does not count toward it. Last evaluated 2025-12-04.

Conditions:
L3MBTL1-related disorder. Also called: L3MBTL1-related condition.

Allele frequency attached by ClinVar (database versions not stated): gnomAD 0.00125; ESP Exome Variant Server 0.00185; ExAC 0.00042; TOPMed 0.00137; 1000 Genomes Project 30x 0.00125; gnomAD exomes 0.00014; 1000 Genomes Project 0.00140.
gnomAD v4.1: 408 of 1,613,500 alleles (0.025%); highest among the groups gnomAD compares: African/African-American, 0.48%; 2 homozygotes.

Submissions (2):

Ambry Genetics
Classification: Uncertain significance. Last evaluated: 2025-12-04. Review status: criteria provided, single submitter. Criteria: Ambry Variant Classification Scheme 2023. Collection method: clinical testing. Allele origin: germline.

PreventionGenetics, part of Exact Sciences
Classification: Likely benign for L3MBTL1-related condition. Last evaluated: 2020-09-21. Review status: no assertion criteria provided. Collection method: clinical testing. Allele origin: germline. Not counted in ClinVar's aggregate classification.
Comment: This variant is classified as likely benign based on ACMG/AMP sequence variant interpretation guidelines (Richards et al. 2015 PMID: 25741868, with internal and published modifications).